The following is an entry in ClinVar:

NM_001148.6(ANK2):c.8825G>A (p.Ser2942Asn)

Gene: ANK2 (ankyrin 2; plus strand). Cytogenetic location: 4q26.
Variant type: single nucleotide variant.
Coding change: c.8825G>A on transcript NM_001148.6 (MANE Select); coding-DNA position 8825, G replaced by A.
Protein change: p.Ser2942Asn; replaces serine 2942 with asparagine.
Molecular consequence: missense variant. On other transcripts: intron variant (68).
Genome position (GRCh38, 1-based): chr4:113,357,443, G>A. VCF-style: chr4-113357443-G-A. GRCh37 (hg19) VCF-style: chr4-114278599-G-A.
Other names: c.8591G>A, p.Ser2864Asn (NM_001386142.1); c.5225G>A, p.Ser1742Asn (NM_001386166.1); c.8966G>A, p.Ser2989Asn (NM_001386174.1); c.8942G>A, p.Ser2981Asn (NM_001386175.1); c.4412-3380G>A (NM_001386186.2, NM_001386148.2); c.4214-3380G>A (NM_001354269.3); c.4292-3380G>A (NM_001386187.2); c.4253-3380G>A (NM_001386147.1); and 35 more; short protein forms S2942N, S1742N, S2864N, S2981N, S2989N.
Identifiers: ClinVar variation 457062 (VCV000457062.5), dbSNP rs1554565808, ClinGen allele CA357935615.
Genomic context (GRCh38, chr4:113,357,443, plus strand): 5'-CACAAATCACTAGCCCTTATGAAAATGTCCCTTCCCAATCTTTTTTCTCTAGTGAAGAAA[G>A]CAAAACCCAAACAGATGCAAATCACACCACAAGTTTTCACTCTTCTGAAGTGTATTCTGT-3'
Protein context (NP_001139.3, residues 2932-2952): PSQSFFSSEE[Ser2942Asn]KTQTDANHTT

ClinVar aggregate classification (germline): Uncertain significance (1 of 4 stars; one submission).

Conditions:
Long QT syndrome (LQTS). Identifiers: MedGen C0023976, MeSH D008133, MONDO:0002442. Disease mechanism: loss of function. Inheritance: Various modes of inheritance.

Allele frequency attached by ClinVar (database versions not stated): gnomAD exomes below 0.00001.
gnomAD v4.1: 1 of 1,614,008 alleles (0.000062%); highest among the groups gnomAD compares: Non-Finnish European, 0.000085%; no homozygotes.

Submission:

Labcorp Genetics (formerly Invitae), Labcorp
Classification: Uncertain significance for Long QT syndrome. Last evaluated: 2024-12-25. Review status: criteria provided, single submitter. Criteria: Invitae Variant Classification Sherloc (09022015). Collection method: clinical testing. Allele origin: germline.
Comment: This sequence change replaces serine, which is neutral and polar, with asparagine, which is neutral and polar, at codon 2942 of the ANK2 protein (p.Ser2942Asn). This variant is not present in population databases (gnomAD no frequency). This variant has not been reported in the literature in individuals affected with ANK2-related conditions. ClinVar contains an entry for this variant (Variation ID: 457062). An algorithm developed to predict the effect of missense changes on protein structure and function outputs the following: PolyPhen-2: "Benign". The asparagine amino acid residue is found in multiple mammalian species, which suggests that this missense change does not adversely affect protein function. In summary, the available evidence is currently insufficient to determine the role of this variant in disease. Therefore, it has been classified as a Variant of Uncertain Significance.